The following is an entry in ClinVar:

NM_032564.5(DGAT2):c.430-19C>G

Gene: DGAT2 (diacylglycerol O-acyltransferase 2; plus strand). Cytogenetic location: 11q13.5.
Variant type: single nucleotide variant.
Coding change: c.430-19C>G on transcript NM_032564.5 (MANE Select); 19 bases into the intron before coding-DNA position 430, C replaced by G.
Molecular consequence: intron variant.
Genome position (GRCh38, 1-based): chr11:75,796,309, C>G. VCF-style: chr11-75796309-C-G. GRCh37 (hg19) VCF-style: chr11-75507354-C-G.
Other names: c.301-19C>G (NM_001253891.2).
Identifiers: ClinVar variation 4848303 (VCV004848303.1).
Genomic context (GRCh38, chr11:75,796,309, plus strand): 5'-CAATCCCTCCCTACCCTCCGGGTATGCCCCGGTATCCCTCTCCCAGCCAGTTTCCTCTGA[C>G]CCAAGGTCATCCTTGCAGCTGGTGAAGACACACAACCTGCTGACCACCAGGAACTATATC-3'

ClinVar aggregate classification (germline): Likely benign (1 of 4 stars; one submission).

gnomAD v4.1: 5 of 1,610,920 alleles (0.00031%); highest among the groups gnomAD compares: East Asian, 0.011%; no homozygotes.

Submission:

Women's Health and Genetics/Laboratory Corporation of America, LabCorp
Classification: Likely benign. Last evaluated: 2026-02-17. Review status: criteria provided, single submitter. Criteria: LabCorp Variant Classification Summary - May 2015. Collection method: clinical testing. Allele origin: germline.
Comment: Variant summary: DGAT2 c.430-19C>G alters a nucleotide located at a position not widely known to affect splicing. Consensus agreement among computation tools predict no significant impact on normal splicing. However, these predictions have yet to be confirmed by functional studies. The variant allele was found at a frequency of 1.6e-05 in 250526 control chromosomes. The available data on variant occurrences in the general population are insufficient to allow any conclusion about variant significance. To our knowledge, no occurrence of c.430-19C>G in individuals affected with DGAT2-related conditions and no experimental evidence demonstrating its impact on protein function have been reported. No submitters have cited clinical-significance assessments for this variant to ClinVar. Based on the evidence outlined above, the variant was classified as likely benign.